The following is an entry in ClinVar:

ClinVar aggregate classification (germline): Uncertain significance. Review status: criteria provided, multiple submitters, no conflicts (2 of 4 stars). 3 submissions from 3 submitters: Uncertain significance (2). 1 of the submissions does not count toward it. Last evaluated 2025-09-30.

Conditions:
Inborn genetic diseases. Identifiers: MedGen C0950123, MeSH D030342.
Self-limited epilepsy with centrotemporal spikes. Also called: Childhood epilepsy with centrotemporal spikes; Rolandic epilepsy. Identifiers: Orphanet 1945, MedGen C0376532, MONDO:0007295.
Benign neonatal seizures. Also called: Convulsions benign familial neonatal dominant form; Autosomal dominant form of benign neonatal seizures; Benign familial neonatal seizures; Benign neonatal familial convulsions; Benign familial neonatal epilepsy. Identifiers: Orphanet 1949, MedGen C0220669, MONDO:0016027.

Allele frequency attached by ClinVar (database versions not stated): gnomAD exomes 0.00001 and 0.00002; TOPMed 0.00001.
gnomAD v4.1: 9 of 1,551,936 alleles (0.00058%); highest among the groups gnomAD compares: Admixed American, 0.002%; no homozygotes.

Submissions (3):

Labcorp Genetics (formerly Invitae), Labcorp
Classification: Uncertain significance for Benign neonatal seizures. Last evaluated: 2025-09-30. Review status: criteria provided, single submitter. Criteria: Invitae Variant Classification Sherloc (09022015). Collection method: clinical testing. Allele origin: germline.
Comment: This sequence change replaces alanine, which is neutral and non-polar, with threonine, which is neutral and polar, at codon 334 of the KCNQ3 protein (p.Ala334Thr). The frequency data for this variant in the population databases is considered unreliable, as metrics indicate poor data quality at this position in the gnomAD database. This missense change has been observed in individual(s) with Rolandic epilepsy (PMID: 29358611). ClinVar contains an entry for this variant (Variation ID: 433111). Invitae Evidence Modeling of protein sequence and biophysical properties (such as structural, functional, and spatial information, amino acid conservation, physicochemical variation, residue mobility, and thermodynamic stability) has been performed for this missense variant. However, the output from this modeling did not meet the statistical confidence thresholds required to predict the impact of this variant on KCNQ3 protein function. In summary, the available evidence is currently insufficient to determine the role of this variant in disease. Therefore, it has been classified as a Variant of Uncertain Significance.

Ambry Genetics
Classification: Uncertain significance for Inborn genetic diseases. Last evaluated: 2018-07-19. Review status: criteria provided, single submitter. Criteria: Ambry exome assertion method (8-5-2015). Collection method: clinical testing. Allele origin: germline. Affected: yes. Observed: 1 variant allele.

Bioinformatics Core, Luxembourg Center for Systems Biomedicine
Classification: Pathogenic for Self-limited epilepsy with centrotemporal spikes. Last evaluated: 2017-01-01. Review status: no assertion criteria provided. Collection method: case-control. Allele origin: germline. Affected: yes. Study: EUROEPINOMICS COGIE. Not counted in ClinVar's aggregate classification.

Literature cited by the submitters: PubMed 29358611 (cited by 3 submitters).

NM_004519.4(KCNQ3):c.1000G>A (p.Ala334Thr)

Gene: KCNQ3 (potassium voltage-gated channel subfamily Q member 3; minus strand). Cytogenetic location: 8q24.22.
Variant type: single nucleotide variant.
Coding change: c.1000G>A on transcript NM_004519.4 (MANE Select); coding-DNA position 1000, G replaced by A.
Protein change: p.Ala334Thr; replaces alanine 334 with threonine.
Molecular consequence: missense variant.
Genome position (GRCh38, 1-based): chr8:132,174,283, C>T on the plus strand (G>A on the coding strand, the complement: KCNQ3 is on the minus strand). VCF-style: chr8-132174283-C-T. GRCh37 (hg19) VCF-style: chr8-133186530-C-T.
Other names: c.640G>A, p.Ala214Thr (NM_001204824.2); short protein forms A334T, A214T.
Identifiers: ClinVar variation 433111 (VCV000433111.11), dbSNP rs1381851622, ClinGen allele CA372290135.